The following is an entry in ClinVar:

NM_031220.4(PITPNM3):c.351+15G>A

Gene: PITPNM3 (PITPNM family member 3; minus strand). Cytogenetic location: 17p13.2.
Variant type: single nucleotide variant.
Coding change: c.351+15G>A on transcript NM_031220.4 (MANE Select); 15 bases into the intron after coding-DNA position 351, G replaced by A.
Molecular consequence: intron variant.
Genome position (GRCh38, 1-based): chr17:6,484,201, C>T on the plus strand (G>A on the coding strand, the complement: PITPNM3 is on the minus strand). VCF-style: chr17-6484201-C-T. GRCh37 (hg19) VCF-style: chr17-6387521-C-T.
Other names: c.243+15G>A (NM_001165966.2).
Identifiers: ClinVar variation 324764 (VCV000324764.14), dbSNP rs549825421, ClinGen allele CA8329861.

ClinVar aggregate classification (germline): Likely benign. Review status: criteria provided, multiple submitters, no conflicts (2 of 4 stars). 4 submissions from 4 submitters: Likely benign (4). Last evaluated 2025-07-22.

Conditions:
Cone-rod dystrophy 5 (CORD5). Identifiers: Orphanet 1872, MedGen C1832976, MONDO:0010969, OMIM 600977.

Allele frequency attached by ClinVar (database versions not stated): gnomAD 0.00009; gnomAD exomes 0.00010 and 0.00018; TOPMed 0.00012; 1000 Genomes Project 30x 0.00016; ExAC 0.00017; 1000 Genomes Project 0.00020.
gnomAD v4.1: 162 of 1,595,822 alleles (0.01%); highest among the groups gnomAD compares: Middle Eastern, 0.083%; 1 homozygote.

Submissions (4):

Labcorp Genetics (formerly Invitae), Labcorp
Classification: Likely benign. Last evaluated: 2025-07-22. Review status: criteria provided, single submitter. Criteria: Invitae Variant Classification Sherloc (09022015). Collection method: clinical testing. Allele origin: germline.

Blueprint Genetics
Classification: Likely benign. Last evaluated: 2024-07-22. Review status: criteria provided, single submitter. Criteria: ACMG Guidelines, 2015. Collection method: clinical testing. Allele origin: germline.

Illumina Laboratory Services, Illumina
Classification: Likely benign for Cone-rod dystrophy 5. Last evaluated: 2018-01-13. Review status: criteria provided, single submitter. Criteria: ICSL Variant Classification Criteria 13 December 2019. Collection method: clinical testing. Allele origin: germline.
Comment: This variant was observed in the ICSL laboratory as part of a predisposition screen in an ostensibly healthy population. It had not been previously curated by ICSL or reported in the Human Gene Mutation Database (HGMD: prior to June 1st, 2018), and was therefore a candidate for classification through an automated scoring system. Utilizing variant allele frequency, disease prevalence and penetrance estimates, and inheritance mode, an automated score was calculated to assess if this variant is too frequent to cause the disease. Based on the score and internal cut-off values, a variant classified as likely benign is not then subjected to further curation. The score for this variant resulted in a classification of likely benign for this disease.

Breakthrough Genomics
Classification: Likely benign. Review status: criteria provided, single submitter. Criteria: ACMG Guidelines, 2015. Collection method: not provided. Allele origin: germline. Inheritance: Autosomal dominant inheritance. Affected: yes.